The following is an entry in ClinVar:

NM_001855.5(COL15A1):c.3934A>C (p.Ile1312Leu)

Gene: COL15A1 (collagen type XV alpha 1 chain; plus strand). Cytogenetic location: 9q22.33.
Variant type: single nucleotide variant.
Coding change: c.3934A>C on transcript NM_001855.5 (MANE Select); coding-DNA position 3934, A replaced by C.
Protein change: p.Ile1312Leu; replaces isoleucine 1312 with leucine.
Molecular consequence: missense variant.
Genome position (GRCh38, 1-based): chr9:99,068,651, A>C. VCF-style: chr9-99068651-A-C. GRCh37 (hg19) VCF-style: chr9-101830933-A-C.
Other names: short protein forms I1312L.
Identifiers: ClinVar variation 3038890 (VCV003038890.2), dbSNP rs115872058, ClinGen allele CA5156024.

ClinVar aggregate classification (germline): Benign (0 of 4 stars; one submission).

Conditions:
COL15A1-related disorder. Also called: COL15A1-related condition.

Allele frequency attached by ClinVar (database versions not stated): ExAC 0.00111; gnomAD 0.00350; TOPMed 0.00417; 1000 Genomes Project 30x 0.00437; ESP Exome Variant Server 0.00438; 1000 Genomes Project 0.00459.
gnomAD v4.1: 1,135 of 1,559,982 alleles (0.073%); highest among the groups gnomAD compares: African/African-American, 1.4%; 13 homozygotes.

Submission:

PreventionGenetics, part of Exact Sciences
Classification: Benign for COL15A1-related condition. Last evaluated: 2019-06-18. Review status: no assertion criteria provided. Collection method: clinical testing. Allele origin: germline.
Comment: This variant is classified as benign based on ACMG/AMP sequence variant interpretation guidelines (Richards et al. 2015 PMID: 25741868, with internal and published modifications).